The following is an entry in ClinVar:

NM_000687.4(AHCY):c.980G>A (p.Arg327Gln)

Gene: AHCY (adenosylhomocysteinase; minus strand). Cytogenetic location: 20q11.22.
Variant type: single nucleotide variant.
Coding change: c.980G>A on transcript NM_000687.4 (MANE Select); coding-DNA position 980, G replaced by A.
Protein change: p.Arg327Gln; replaces arginine 327 with glutamine.
Molecular consequence: missense variant.
Genome position (GRCh38, 1-based): chr20:34,285,627, C>T on the plus strand (G>A on the coding strand, the complement: AHCY is on the minus strand). VCF-style: chr20-34285627-C-T. GRCh37 (hg19) VCF-style: chr20-32873433-C-T.
Other names: c.896G>A, p.Arg299Gln (NM_001161766.2, NM_001322084.2, NM_001322085.2); c.986G>A, p.Arg329Gln (NM_001322086.2); c.980G>A, p.Arg327Gln (NM_001362750.2); c.980G>A (NM_000687.2); short protein forms R299Q, R329Q, R327Q.
Identifiers: ClinVar variation 1916967 (VCV001916967.3), dbSNP rs371784986, ClinGen allele CA9820807.
Genomic context (GRCh38, chr20:34,285,627, plus strand): 5'-AGGTTGACCAGCCGACCCTCGGCCAGCAGGATGATGCGGCGCCCATTCTTCAACCGATAC[C>T]GGTCCACCTACACGCAGGCAGGGCAACAGTGAAGGCAGGCAGGGCCCCGCTCCCACAGCC-3'
Protein context (NP_000678.1, residues 317-337): EKVNIKPQVD[Arg327Gln]YRLKNGRRII

ClinVar aggregate classification (germline): Uncertain significance. Review status: criteria provided, multiple submitters, no conflicts (2 of 4 stars). 2 submissions from 2 submitters: Uncertain significance (2). Last evaluated 2024-07-26.

Conditions:
Inborn genetic diseases. Identifiers: MedGen C0950123, MeSH D030342.
Hypermethioninemia with deficiency of S-adenosylhomocysteine hydrolase. Identifiers: Orphanet 88618, MedGen C3151058, MONDO:0013404, OMIM 613752.

Allele frequency attached by ClinVar (database versions not stated): gnomAD 0.00001; gnomAD exomes 0.00001; ExAC 0.00002; TOPMed 0.00002; ESP Exome Variant Server 0.00008.

Submissions (2):

Ambry Genetics
Classification: Uncertain significance for Inborn genetic diseases. Last evaluated: 2024-07-26. Review status: criteria provided, single submitter. Criteria: Ambry Variant Classification Scheme 2023. Collection method: clinical testing. Allele origin: germline.

Labcorp Genetics (formerly Invitae), Labcorp
Classification: Uncertain significance for Hypermethioninemia with deficiency of S-adenosylhomocysteine hydrolase. Last evaluated: 2022-03-19. Review status: criteria provided, single submitter. Criteria: Invitae Variant Classification Sherloc (09022015). Collection method: clinical testing. Allele origin: germline.
Comment: This sequence change replaces arginine, which is basic and polar, with glutamine, which is neutral and polar, at codon 327 of the AHCY protein (p.Arg327Gln). This variant is present in population databases (rs371784986, gnomAD 0.007%). This variant has not been reported in the literature in individuals affected with AHCY-related conditions. Algorithms developed to predict the effect of missense changes on protein structure and function are either unavailable or do not agree on the potential impact of this missense change (SIFT: "Not Available"; PolyPhen-2: "Benign"; Align-GVGD: "Not Available"). In summary, the available evidence is currently insufficient to determine the role of this variant in disease. Therefore, it has been classified as a Variant of Uncertain Significance.